The following is an entry in ClinVar:

ClinVar aggregate classification (germline): Uncertain significance (1 of 4 stars; one submission).

Conditions:
Familial thoracic aortic aneurysm and aortic dissection (TAAD). Also called: Thoracic aortic aneurysms and dissections. Identifiers: Orphanet 91387, MedGen C4707243, MONDO:0019625.

Submission:

Ambry Genetics
Classification: Uncertain significance for Familial thoracic aortic aneurysm and aortic dissection. Last evaluated: 2024-12-14. Review status: criteria provided, single submitter. Criteria: Ambry Variant Classification Scheme 2023. Collection method: clinical testing. Allele origin: germline.
Comment: The p.N2077T variant (also known as c.6230A>C), located in coding exon 50 of the FBN1 gene, results from an A to C substitution at nucleotide position 6230. The asparagine at codon 2077 is replaced by threonine, an amino acid with similar properties. This amino acid position is well conserved in available vertebrate species. In addition, the in silico prediction for this alteration is inconclusive. Based on the available evidence, the clinical significance of this variant remains unclear.

NM_000138.5(FBN1):c.6230A>C (p.Asn2077Thr)

Gene: FBN1 (fibrillin 1; minus strand). Cytogenetic location: 15q21.1.
Variant type: single nucleotide variant.
Coding change: c.6230A>C on transcript NM_000138.5 (MANE Select); coding-DNA position 6230, A replaced by C.
Protein change: p.Asn2077Thr; replaces asparagine 2077 with threonine.
Molecular consequence: missense variant.
Genome position (GRCh38, 1-based): chr15:48,437,851, T>G on the plus strand (A>C on the coding strand, the complement: FBN1 is on the minus strand). VCF-style: chr15-48437851-T-G. GRCh37 (hg19) VCF-style: chr15-48730048-T-G.
Other names: c.6230A>C, p.Asn2077Thr (NM_001406716.1); short protein forms N2077T.
Identifiers: ClinVar variation 3849164 (VCV003849164.1).